The following is an entry in ClinVar:

NM_000535.7(PMS2):c.88C>G (p.Gln30Glu)

Gene: PMS2 (PMS1 homolog 2, mismatch repair system component; minus strand). Cytogenetic location: 7p22.1.
Variant type: single nucleotide variant.
Coding change: c.88C>G on transcript NM_000535.7 (MANE Select); coding-DNA position 88, C replaced by G.
Protein change: p.Gln30Glu; replaces glutamine 30 with glutamic acid.
Molecular consequence: missense variant. On other transcripts: 5 prime UTR variant (8), non-coding transcript variant (1), intron variant (3).
Genome position (GRCh38, 1-based): chr7:6,005,967, G>C on the plus strand (C>G on the coding strand, the complement: PMS2 is on the minus strand). VCF-style: chr7-6005967-G-C. GRCh37 (hg19) VCF-style: chr7-6045598-G-C.
Other names: c.-318C>G (NM_001322003.2, NM_001322005.2, NM_001322009.2 and 1 more transcripts); c.-797C>G (NM_001322011.2, NM_001322012.2); c.88C>G, p.Gln30Glu (NM_001322006.2, NM_001322014.2); c.-128C>G (NM_001322007.2); c.-397C>G (NM_001322015.2); c.-52-1909C>G (NM_001322008.2); c.-242-1909C>G (NM_001322010.2, NM_001322004.2); short protein forms Q30E.
Identifiers: ClinVar variation 924555 (VCV000924555.12), dbSNP rs141577476, ClinGen allele CA366745083.

ClinVar aggregate classification (germline): Uncertain significance. Review status: criteria provided, multiple submitters, no conflicts (2 of 4 stars). 3 submissions from 3 submitters: Uncertain significance (3). Last evaluated 2025-08-29.

Conditions:
Hereditary cancer-predisposing syndrome. Also called: Neoplastic Syndromes, Hereditary; Tumor predisposition; Hereditary Cancer Syndrome; Hereditary neoplastic syndrome. Identifiers: Orphanet 140162, MedGen C0027672, MeSH D009386, MONDO:0015356.
Hereditary nonpolyposis colorectal neoplasms. Identifiers: MedGen C0009405, MeSH D003123.

gnomAD v4.1: 1 of 1,610,772 alleles (0.000062%); highest among the groups gnomAD compares: Non-Finnish European, 0.000085%; no homozygotes.

Submissions (3):

Ambry Genetics
Classification: Uncertain significance for Hereditary cancer-predisposing syndrome. Last evaluated: 2025-08-29. Review status: criteria provided, single submitter. Criteria: Ambry Variant Classification Scheme 2023. Collection method: clinical testing. Allele origin: germline.
Comment: The p.Q30E variant (also known as c.88C>G), located in coding exon 2 of the PMS2 gene, results from a C to G substitution at nucleotide position 88. The glutamine at codon 30 is replaced by glutamic acid, an amino acid with highly similar properties. This amino acid position is highly conserved in available vertebrate species. In addition, this alteration is predicted to be deleterious by in silico analysis. Based on the available evidence, the clinical significance of this variant remains unclear.

Color Diagnostics, LLC DBA Color Health
Classification: Uncertain significance for Hereditary cancer-predisposing syndrome. Last evaluated: 2022-11-08. Review status: criteria provided, single submitter. Criteria: ACMG Guidelines, 2015. Collection method: clinical testing. Allele origin: germline.
Comment: This missense variant replaces glutamine with glutamic acid at codon 30 of the PMS2 protein. Computational prediction is inconclusive regarding the impact of this variant on protein structure and function (internally defined REVEL score threshold 0.5 < inconclusive < 0.7, PMID: 27666373). To our knowledge, functional studies have not been reported for this variant. This variant has not been reported in individuals affected with PMS2-related disorders in the literature. This variant has not been identified in the general population by the Genome Aggregation Database (gnomAD). The available evidence is insufficient to determine the role of this variant in disease conclusively. Therefore, this variant is classified as a Variant of Uncertain Significance.

Labcorp Genetics (formerly Invitae), Labcorp
Classification: Uncertain significance for Hereditary nonpolyposis colorectal neoplasms. Last evaluated: 2022-08-03. Review status: criteria provided, single submitter. Criteria: Invitae Variant Classification Sherloc (09022015). Collection method: clinical testing. Allele origin: germline.
Comment: This variant has not been reported in the literature in individuals affected with PMS2-related conditions. This variant is not present in population databases (gnomAD no frequency). This sequence change replaces glutamine, which is neutral and polar, with glutamic acid, which is acidic and polar, at codon 30 of the PMS2 protein (p.Gln30Glu). ClinVar contains an entry for this variant (Variation ID: 924555). In summary, the available evidence is currently insufficient to determine the role of this variant in disease. Therefore, it has been classified as a Variant of Uncertain Significance. Advanced modeling of protein sequence and biophysical properties (such as structural, functional, and spatial information, amino acid conservation, physicochemical variation, residue mobility, and thermodynamic stability) performed at Invitae indicates that this missense variant is not expected to disrupt PMS2 protein function.